The following is an entry in ClinVar:

NM_001384140.1(PCDH15):c.1439C>T (p.Ser480Leu)

Gene: PCDH15 (protocadherin related 15; minus strand). Cytogenetic location: 10q21.1.
Variant type: single nucleotide variant.
Coding change: c.1439C>T on transcript NM_001384140.1 (MANE Select); coding-DNA position 1439, C replaced by T.
Protein change: p.Ser480Leu; replaces serine 480 with leucine.
Molecular consequence: missense variant.
Genome position (GRCh38, 1-based): chr10:54,185,135, G>A on the plus strand (C>T on the coding strand, the complement: PCDH15 is on the minus strand). VCF-style: chr10-54185135-G-A. GRCh37 (hg19) VCF-style: chr10-55944895-G-A.
Other names: c.1454C>T, p.Ser485Leu (NM_001142763.2, NM_001142771.2); c.1439C>T, p.Ser480Leu (NM_001142764.2, NM_001142765.2, NM_001142766.2 and 6 more transcripts); c.1328C>T, p.Ser443Leu (NM_001142767.2); c.1373C>T, p.Ser458Leu (NM_001142768.2, NM_001142773.2, NM_001354404.2); c.1475C>T, p.Ser492Leu (NM_001142769.4); c.1460C>T, p.Ser487Leu (NM_001354411.2); short protein forms S480L, S492L, S485L, S443L, S458L, S487L.
Identifiers: ClinVar variation 937494 (VCV000937494.8), dbSNP rs1281151581, ClinGen allele CA376514942.

ClinVar aggregate classification (germline): Uncertain significance. Review status: criteria provided, single submitter (1 of 4 stars). 2 submissions from 2 submitters: Uncertain significance (1). 1 of the submissions does not count toward it. Last evaluated 2021-08-31.

Conditions:
Usher syndrome type 1F (USH1F). Also called: USHER SYNDROME, TYPE IF. Identifiers: Orphanet 231169, Orphanet 886, MedGen C1865885, MONDO:0011186, OMIM 602083.

Allele frequency attached by ClinVar (database versions not stated): TOPMed below 0.00001; gnomAD exomes 0.00001.
gnomAD v4.1: 7 of 1,613,072 alleles (0.00043%); highest among the groups gnomAD compares: East Asian, 0.0045%; no homozygotes.

Submissions (2):

Labcorp Genetics (formerly Invitae), Labcorp
Classification: Uncertain significance. Last evaluated: 2021-08-31. Review status: criteria provided, single submitter. Criteria: Invitae Variant Classification Sherloc (09022015). Collection method: clinical testing. Allele origin: germline.
Comment: This sequence change replaces serine with leucine at codon 480 of the PCDH15 protein (p.Ser480Leu). The serine residue is moderately conserved and there is a large physicochemical difference between serine and leucine. This variant is not present in population databases (ExAC no frequency). This variant has not been reported in the literature in individuals affected with PCDH15-related conditions. Algorithms developed to predict the effect of missense changes on protein structure and function output the following: SIFT: "Tolerated"; PolyPhen-2: "Benign"; Align-GVGD: "Class C0". The leucine amino acid residue is found in multiple mammalian species, which suggests that this missense change does not adversely affect protein function. Algorithms developed to predict the effect of sequence changes on RNA splicing suggest that this variant may disrupt the consensus splice site. In summary, the available evidence is currently insufficient to determine the role of this variant in disease. Therefore, it has been classified as a Variant of Uncertain Significance.

Natera, Inc.
Classification: Uncertain significance for Usher syndrome type 1F. Last evaluated: 2020-11-05. Review status: no assertion criteria provided. Collection method: clinical testing. Allele origin: germline. Not counted in ClinVar's aggregate classification.